The following is an entry in ClinVar:

NM_007194.4(CHEK2):c.167G>C (p.Ser56Thr)

Gene: CHEK2 (checkpoint kinase 2; minus strand). Cytogenetic location: 22q12.1.
Variant type: single nucleotide variant.
Coding change: c.167G>C on transcript NM_007194.4 (MANE Select); coding-DNA position 167, G replaced by C.
Protein change: p.Ser56Thr; replaces serine 56 with threonine.
Molecular consequence: missense variant.
Genome position (GRCh38, 1-based): chr22:28,734,555, C>G on the plus strand (G>C on the coding strand, the complement: CHEK2 is on the minus strand). VCF-style: chr22-28734555-C-G. GRCh37 (hg19) VCF-style: chr22-29130543-C-G.
Other names: c.167G>C, p.Ser56Thr (NM_001005735.3, NM_001349956.3, NM_145862.3); c.-611G>C (NM_001257387.3); short protein forms S56T.
Identifiers: ClinVar variation 1498441 (VCV001498441.9), dbSNP rs1255827598, ClinGen allele CA411090932.

ClinVar aggregate classification (germline): Uncertain significance (1 of 4 stars; one submission).

Conditions:
Familial cancer of breast. Also called: hereditary breast carcinoma; Hereditary breast cancer; BREAST CANCER, FAMILIAL. Identifiers: Orphanet 227535, MedGen C0346153, MONDO:0016419, OMIM 114480. Disease mechanism: loss of function.

Allele frequency attached by ClinVar (database versions not stated): gnomAD exomes below 0.00001.
gnomAD v4.1: 1 of 1,613,892 alleles (0.000062%); highest among the groups gnomAD compares: Non-Finnish European, 0.000085%; no homozygotes.

Submission:

Labcorp Genetics (formerly Invitae), Labcorp
Classification: Uncertain significance for Familial cancer of breast. Last evaluated: 2025-10-21. Review status: criteria provided, single submitter. Criteria: Invitae Variant Classification Sherloc (09022015). Collection method: clinical testing. Allele origin: germline.
Comment: This sequence change replaces serine, which is neutral and polar, with threonine, which is neutral and polar, at codon 56 of the CHEK2 protein (p.Ser56Thr). This variant is present in population databases (no rsID available, gnomAD 0.0009%). This variant has not been reported in the literature in individuals affected with CHEK2-related conditions. ClinVar contains an entry for this variant (Variation ID: 1498441). An algorithm developed to predict the effect of missense changes on protein structure and function (PolyPhen-2) suggests that this variant is likely to be disruptive. In summary, the available evidence is currently insufficient to determine the role of this variant in disease. Therefore, it has been classified as a Variant of Uncertain Significance.